The following is an entry in ClinVar:

ClinVar aggregate classification (germline): Uncertain significance (1 of 4 stars; one submission).

Conditions:
RREB1-related disorder. Also called: RREB1-related condition.

Submission:

PreventionGenetics, part of Exact Sciences
Classification: Uncertain significance for RREB1-related condition. Last evaluated: 2026-06-03. Review status: criteria provided, single submitter. Criteria: ACMG Guidelines, 2015. Collection method: clinical testing. Allele origin: germline.
Comment: The RREB1 c.3065C>A variant is predicted to result in the amino acid substitution p.Ala1022Asp. To our knowledge, this variant has not been reported in the literature or in a large population database (gnomad), indicating this variant is rare. At this time, the clinical significance of this variant is uncertain due to the absence of conclusive functional and genetic evidence.

NM_001003699.4(RREB1):c.3065C>A (p.Ala1022Asp)

Gene: RREB1 (ras responsive element binding protein 1; plus strand). Cytogenetic location: 6p24.3.
Variant type: single nucleotide variant.
Coding change: c.3065C>A on transcript NM_001003699.4 (MANE Select); coding-DNA position 3065, C replaced by A.
Protein change: p.Ala1022Asp; replaces alanine 1022 with aspartic acid.
Molecular consequence: missense variant.
Genome position (GRCh38, 1-based): chr6:7,231,164, C>A. VCF-style: chr6-7231164-C-A. GRCh37 (hg19) VCF-style: chr6-7231397-C-A.
Other names: c.3065C>A, p.Ala1022Asp (NM_001003698.4, NM_001003700.2, NM_001168344.2); short protein forms A1022D.
Identifiers: ClinVar variation 2628429 (VCV002628429.2), dbSNP rs775703086, ClinGen allele CA362642659.